The following is an entry in ClinVar:

ClinVar aggregate classification (germline): Uncertain significance. Review status: criteria provided, multiple submitters, no conflicts (2 of 4 stars). 2 submissions from 2 submitters: Uncertain significance (2). Last evaluated 2025-04-01.

Allele frequency attached by ClinVar (database versions not stated): gnomAD 0.00004; gnomAD exomes 0.00004; ExAC 0.00006.

Submissions (2):

Ambry Genetics
Classification: Uncertain significance. Last evaluated: 2025-04-01. Review status: criteria provided, single submitter. Criteria: Ambry Variant Classification Scheme 2023. Collection method: clinical testing. Allele origin: germline.

Labcorp Genetics (formerly Invitae), Labcorp
Classification: Uncertain significance. Last evaluated: 2022-08-09. Review status: criteria provided, single submitter. Criteria: Invitae Variant Classification Sherloc (09022015). Collection method: clinical testing. Allele origin: germline.
Comment: The frequency data for this variant in the population databases is considered unreliable, as metrics indicate poor data quality at this position in the gnomAD database. In summary, the available evidence is currently insufficient to determine the role of this variant in disease. Therefore, it has been classified as a Variant of Uncertain Significance. Algorithms developed to predict the effect of missense changes on protein structure and function are either unavailable or do not agree on the potential impact of this missense change (SIFT: "Deleterious"; PolyPhen-2: "Probably Damaging"; Align-GVGD: "Class C0"). ClinVar contains an entry for this variant (Variation ID: 1467989). This variant has not been reported in the literature in individuals affected with PLEKHG2-related conditions. This sequence change replaces arginine, which is basic and polar, with tryptophan, which is neutral and slightly polar, at codon 329 of the PLEKHG2 protein (p.Arg329Trp).

NM_022835.3(PLEKHG2):c.985C>T (p.Arg329Trp)

Gene: PLEKHG2 (pleckstrin homology and RhoGEF domain containing G2; plus strand). Cytogenetic location: 19q13.2.
Variant type: single nucleotide variant.
Coding change: c.985C>T on transcript NM_022835.3 (MANE Select); coding-DNA position 985, C replaced by T.
Protein change: p.Arg329Trp; replaces arginine 329 with tryptophan.
Molecular consequence: missense variant.
Genome position (GRCh38, 1-based): chr19:39,418,007, C>T. VCF-style: chr19-39418007-C-T. GRCh37 (hg19) VCF-style: chr19-39908647-C-T.
Other names: c.808C>T, p.Arg270Trp (NM_001351693.2); c.985C>T, p.Arg329Trp (NM_001351694.2); c.985C>T (NM_022835.2); short protein forms R329W, R270W.
Identifiers: ClinVar variation 1467989 (VCV001467989.7), dbSNP rs769505257, ClinGen allele CA9429305.
Genomic context (GRCh38, chr19:39,418,007, plus strand): 5'-AGTGCTTTTGGGGAACTGGTGTTGGAGGGCGCGTTCCGAGGAGGCGGAGGGGGTGGCCCC[C>T]GGCTACGAGGGGGTGAGCGGCTGCTCTTCCTGTTCTCTCGGATGCTGCTGGTGGCCAAGC-3'
Protein context (NP_073746.2, residues 319-339): AFRGGGGGGP[Arg329Trp]LRGGERLLFL